The following is an entry in ClinVar:

NM_177972.3(TUB):c.832C>T (p.Arg278Trp)

Genes: RIC3 (RIC3 acetylcholine receptor chaperone; minus strand), TUB (TUB bipartite transcription factor; plus strand). Cytogenetic location: 11p15.4.
Variant type: single nucleotide variant.
Coding change: c.832C>T on transcript NM_177972.3 (MANE Select); coding-DNA position 832, C replaced by T.
Protein change: p.Arg278Trp; replaces arginine 278 with tryptophan.
Molecular consequence: missense variant.
Genome position (GRCh38, 1-based): chr11:8,097,372, C>T. VCF-style: chr11-8097372-C-T. GRCh37 (hg19) VCF-style: chr11-8118919-C-T.
Other names: c.997C>T, p.Arg333Trp (NM_003320.5); short protein forms R278W, R333W.
Identifiers: ClinVar variation 1035016 (VCV001035016.9), dbSNP rs752395091, ClinGen allele CA5871240.

ClinVar aggregate classification (germline): Uncertain significance. Review status: criteria provided, multiple submitters, no conflicts (2 of 4 stars). 2 submissions from 2 submitters: Uncertain significance (2). Last evaluated 2024-03-14.

Allele frequency attached by ClinVar (database versions not stated): TOPMed below 0.00001; gnomAD 0.00001; gnomAD exomes 0.00001; ExAC 0.00002.
gnomAD v4.1: 9 of 1,614,026 alleles (0.00056%); highest among the groups gnomAD compares: Admixed American, 0.0033%; no homozygotes.

Submissions (2):

Labcorp Genetics (formerly Invitae), Labcorp
Classification: Uncertain significance. Last evaluated: 2024-03-14. Review status: criteria provided, single submitter. Criteria: Invitae Variant Classification Sherloc (09022015). Collection method: clinical testing. Allele origin: germline.
Comment: This sequence change replaces arginine, which is basic and polar, with tryptophan, which is neutral and slightly polar, at codon 333 of the TUB protein (p.Arg333Trp). This variant is present in population databases (rs752395091, gnomAD 0.003%). This variant has not been reported in the literature in individuals affected with TUB-related conditions. ClinVar contains an entry for this variant (Variation ID: 1035016). An algorithm developed to predict the effect of missense changes on protein structure and function (PolyPhen-2) suggests that this variant is likely to be disruptive. In summary, the available evidence is currently insufficient to determine the role of this variant in disease. Therefore, it has been classified as a Variant of Uncertain Significance.

Blueprint Genetics
Classification: Uncertain significance. Last evaluated: 2022-03-11. Review status: criteria provided, single submitter. Criteria: ACMG Guidelines, 2015. Collection method: clinical testing. Allele origin: germline.